The following is an entry in ClinVar:

NM_182746.3(MCM4):c.1822A>G (p.Asn608Asp)

Gene: MCM4 (minichromosome maintenance complex component 4; plus strand). Cytogenetic location: 8q11.21.
Variant type: single nucleotide variant.
Coding change: c.1822A>G on transcript NM_182746.3 (MANE Select); coding-DNA position 1822, A replaced by G.
Protein change: p.Asn608Asp; replaces asparagine 608 with aspartic acid.
Molecular consequence: missense variant.
Genome position (GRCh38, 1-based): chr8:47,971,362, A>G. VCF-style: chr8-47971362-A-G. GRCh37 (hg19) VCF-style: chr8-48883922-A-G.
Other names: c.1822A>G, p.Asn608Asp (NM_005914.4); short protein forms N608D.
Identifiers: ClinVar variation 1973851 (VCV001973851.5), dbSNP rs2551884787, ClinGen allele CA371153196.

ClinVar aggregate classification (germline): Uncertain significance (1 of 4 stars; one submission).

Allele frequency attached by ClinVar (database versions not stated): gnomAD exomes below 0.00001.
gnomAD v4.1: 1 of 1,614,108 alleles (0.000062%); highest among the groups gnomAD compares: Non-Finnish European, 0.000085%; no homozygotes.

Submission:

Labcorp Genetics (formerly Invitae), Labcorp
Classification: Uncertain significance. Last evaluated: 2022-06-01. Review status: criteria provided, single submitter. Criteria: Invitae Variant Classification Sherloc (09022015). Collection method: clinical testing. Allele origin: germline.
Comment: In summary, the available evidence is currently insufficient to determine the role of this variant in disease. Therefore, it has been classified as a Variant of Uncertain Significance. Algorithms developed to predict the effect of missense changes on protein structure and function are either unavailable or do not agree on the potential impact of this missense change (SIFT: "Deleterious"; PolyPhen-2: "Probably Damaging"; Align-GVGD: "Class C0"). This sequence change replaces asparagine, which is neutral and polar, with aspartic acid, which is acidic and polar, at codon 608 of the MCM4 protein (p.Asn608Asp). This variant is not present in population databases (gnomAD no frequency). This variant has not been reported in the literature in individuals affected with MCM4-related conditions.